The following is an entry in ClinVar:

ClinVar aggregate classification (germline): Uncertain significance (1 of 4 stars; one submission).

Conditions:
Charcot-Marie-Tooth disease axonal type 2C (HMSN2C). Also called: Charcot-Marie-Tooth Disease Type 2, TRPV4-Related (CMT2C); CHARCOT-MARIE-TOOTH DISEASE, AXONAL, AUTOSOMAL DOMINANT, TYPE 2C; Charcot-Marie-Tooth Neuropathy Type 2C. Identifiers: Orphanet 99937, MedGen C1853710, MONDO:0011633, OMIM 606071.

Allele frequency attached by ClinVar (database versions not stated): gnomAD exomes below 0.00001; TOPMed below 0.00001; gnomAD 0.00001.
gnomAD v4.1: 2 of 1,605,396 alleles (0.00012%); highest among the groups gnomAD compares: East Asian, 0.0022%; no homozygotes.

Submission:

Labcorp Genetics (formerly Invitae), Labcorp
Classification: Uncertain significance for Charcot-Marie-Tooth disease axonal type 2C. Last evaluated: 2022-02-07. Review status: criteria provided, single submitter. Criteria: Invitae Variant Classification Sherloc (09022015). Collection method: clinical testing. Allele origin: germline.
Comment: This sequence change creates a premature translational stop signal (p.Tyr500*) in the TRPV4 gene. It is expected to result in an absent or disrupted protein product. However, the current clinical and genetic evidence is not sufficient to establish whether loss-of-function variants in TRPV4 cause disease. This variant is present in population databases (no rsID available, gnomAD 0.003%). This variant has not been reported in the literature in individuals affected with TRPV4-related conditions. In summary, the available evidence is currently insufficient to determine the role of this variant in disease. Therefore, it has been classified as a Variant of Uncertain Significance.

NM_021625.5(TRPV4):c.1500C>A (p.Tyr500Ter)

Gene: TRPV4 (transient receptor potential cation channel subfamily V member 4; minus strand). Cytogenetic location: 12q24.11.
Variant type: single nucleotide variant.
Coding change: c.1500C>A on transcript NM_021625.5 (MANE Select); coding-DNA position 1500, C replaced by A.
Protein change: p.Tyr500Ter; replaces tyrosine 500 with a stop codon.
Molecular consequence: nonsense.
Genome position (GRCh38, 1-based): chr12:109,794,014, G>T on the plus strand (C>A on the coding strand, the complement: TRPV4 is on the minus strand). VCF-style: chr12-109794014-G-T. GRCh37 (hg19) VCF-style: chr12-110231819-G-T.
Other names: c.1359C>A, p.Tyr453Ter (NM_001177428.2); c.1398C>A, p.Tyr466Ter (NM_001177431.2); c.1179C>A, p.Tyr393Ter (NM_001177433.2); c.1320C>A, p.Tyr440Ter (NM_147204.3); short protein forms Y393*, Y440*, Y466*, Y453*, Y500*.
Identifiers: ClinVar variation 1960874 (VCV001960874.5), dbSNP rs1323489920, ClinGen allele CA386652428.
Genomic context (GRCh38, chr12:109,794,014, plus strand): 5'-AGTGAAGAGCGTAATGACCTCGCCAGCCAGCCGCAGGTAGTCCACCGTGGTGCGGTAAGG[G>T]TACGGCGGCTGGGGAGCAGCAAGGGCACACAGGTCGTCACCCAGCCCCTCCAACATCTGG-3'